The following is an entry in ClinVar:

NM_001386140.1(MTTP):c.114C>A (p.Tyr38Ter)

Gene: MTTP (microsomal triglyceride transfer protein; plus strand). Cytogenetic location: 4q23.
Variant type: single nucleotide variant.
Coding change: c.114C>A on transcript NM_001386140.1 (MANE Select); coding-DNA position 114, C replaced by A.
Protein change: p.Tyr38Ter; replaces tyrosine 38 with a stop codon.
Molecular consequence: nonsense. On other transcripts: 5 prime UTR variant (1).
Genome position (GRCh38, 1-based): chr4:99,581,957, C>A. VCF-style: chr4-99581957-C-A. GRCh37 (hg19) VCF-style: chr4-100503114-C-A.
Other names: c.114C>A, p.Tyr38Ter (NM_000253.4); c.-136C>A (NM_001300785.2); short protein forms Y38*.
Identifiers: ClinVar variation 1724911 (VCV001724911.2), dbSNP rs956227338, ClinGen allele CA357500679.
Genomic context (GRCh38, chr4:99,581,957, plus strand): 5'-TTATGCAGGTCACACAACTGGTCTCTCATTAAATAATGACCGGCTGTACAAGCTCACGTA[C>A]TCCACTGAAGTTCTTCTTGATCGGGGCAAAGGAAAACTGCAAGACAGCGTGGGCTACCGC-3'

ClinVar aggregate classification (germline): Likely pathogenic (1 of 4 stars; one submission).

Conditions:
Abetalipoproteinaemia (ABL). Also called: Abetalipoproteinemia; Abetalipoproteinemia neuropathy; Apolipoprotein B deficiency; Congenital betalipoprotein deficiency syndrome; MTP DEFICIENCY. Identifiers: Orphanet 14, MedGen C0000744, MONDO:0008692, OMIM 200100, HP:0008181.

Submission:

Myriad Genetics, Inc.
Classification: Likely pathogenic for Abetalipoproteinaemia. Last evaluated: 2022-03-02. Review status: criteria provided, single submitter. Criteria: Myriad Women's Health Autosomal Recessive and X-Linked Classification Criteria (2021). Collection method: clinical testing. Allele origin: unknown.
Comment: NM_000253.2(MTTP):c.114C>A(Y38*) is expected to be pathogenic in the context of abetalipoproteinemia. This variant is predicted to lead to an abnormal or absent protein product due to the creation of a premature termination codon in MTTP, a gene where loss-of-function variants are known to be pathogenic. Please note: this variant was assessed in the context of healthy population screening.